The following is an entry in ClinVar:

NM_004973.4(JARID2):c.1899G>A (p.Lys633=)

Gene: JARID2 (jumonji and AT-rich interaction domain containing 2; plus strand). Cytogenetic location: 6p22.3.
Variant type: single nucleotide variant.
Coding change: c.1899G>A on transcript NM_004973.4 (MANE Select); coding-DNA position 1899, G replaced by A.
Protein change: p.Lys633=; no amino-acid change (lysine 633 retained).
Molecular consequence: synonymous variant.
Genome position (GRCh38, 1-based): chr6:15,497,124, G>A. VCF-style: chr6-15497124-G-A. GRCh37 (hg19) VCF-style: chr6-15497355-G-A.
Other names: c.1383G>A, p.Lys461= (NM_001267040.1).
Identifiers: ClinVar variation 3035135 (VCV003035135.2), dbSNP rs141726970, ClinGen allele CA3643011.
Genomic context (GRCh38, chr6:15,497,124, plus strand): 5'-CATCCACAAGCTGGGCCGGCGCTGGGGCCCCAACGTGCAGCGGCTGGCCTGCATCAAGAA[G>A]CACCTCAAATCTCAGGGCATCACCATGGACGAGCTCCCGCTCATAGGTAGGTCTGGGCGG-3'
Protein context (NP_004964.2, residues 623-643): PNVQRLACIK[Lys633=]HLKSQGITMD

ClinVar aggregate classification (germline): Likely benign (0 of 4 stars; one submission).

Conditions:
JARID2-related disorder. Also called: JARID2-related condition.

Allele frequency attached by ClinVar (database versions not stated): gnomAD exomes 0.00006; ExAC 0.00023; ESP Exome Variant Server 0.00039; 1000 Genomes Project 0.00040; gnomAD 0.00040; TOPMed 0.00049; 1000 Genomes Project 30x 0.00094.

Submission:

PreventionGenetics, part of Exact Sciences
Classification: Likely benign for JARID2-related condition. Last evaluated: 2019-08-01. Review status: no assertion criteria provided. Collection method: clinical testing. Allele origin: germline.
Comment: This variant is classified as likely benign based on ACMG/AMP sequence variant interpretation guidelines (Richards et al. 2015 PMID: 25741868, with internal and published modifications).